The following is an entry in ClinVar:

ClinVar aggregate classification (germline): Benign (0 of 4 stars; one submission).

Conditions:
UBR4-related disorder. Also called: UBR4-related condition.

Allele frequency attached by ClinVar (database versions not stated): gnomAD exomes 0.62348; ExAC 0.64442; ESP Exome Variant Server 0.67169; gnomAD 0.67315; TOPMed 0.69797; 1000 Genomes Project 0.71685; 1000 Genomes Project 30x 0.71768.
gnomAD v4.1: 1,013,971 of 1,613,546 alleles (63%); highest among the groups gnomAD compares: East Asian, 83%; 322,801 homozygotes.

Submission:

PreventionGenetics, part of Exact Sciences
Classification: Benign for UBR4-related condition. Last evaluated: 2019-07-08. Review status: no assertion criteria provided. Collection method: clinical testing. Allele origin: germline.
Comment: This variant is classified as benign based on ACMG/AMP sequence variant interpretation guidelines (Richards et al. 2015 PMID: 25741868, with internal and published modifications).

NM_020765.3(UBR4):c.2099-4T>C

Gene: UBR4 (ubiquitin protein ligase E3 component n-recognin 4; minus strand). Cytogenetic location: 1p36.13.
Variant type: single nucleotide variant.
Coding change: c.2099-4T>C on transcript NM_020765.3 (MANE Select); 4 bases into the intron before coding-DNA position 2099, T replaced by C.
Molecular consequence: intron variant.
Genome position (GRCh38, 1-based): chr1:19,183,900, A>G on the plus strand (T>C on the coding strand, the complement: UBR4 is on the minus strand). VCF-style: chr1-19183900-A-G. GRCh37 (hg19) VCF-style: chr1-19510394-A-G.
Identifiers: ClinVar variation 3060558 (VCV003060558.2), dbSNP rs3762396, ClinGen allele CA651497.